The following is an entry in ClinVar:

NM_022095.4(ZNF335):c.1646+8T>G

Gene: ZNF335 (zinc finger protein 335; minus strand). Cytogenetic location: 20q13.12.
Variant type: single nucleotide variant.
Coding change: c.1646+8T>G on transcript NM_022095.4 (MANE Select); 8 bases into the intron after coding-DNA position 1646, T replaced by G.
Molecular consequence: intron variant.
Genome position (GRCh38, 1-based): chr20:45,962,062, A>C on the plus strand (T>G on the coding strand, the complement: ZNF335 is on the minus strand). VCF-style: chr20-45962062-A-C. GRCh37 (hg19) VCF-style: chr20-44590701-A-C.
Identifiers: ClinVar variation 726822 (VCV000726822.13), dbSNP rs543622714, ClinGen allele CA9885666.

ClinVar aggregate classification (germline): Benign/Likely benign. Review status: criteria provided, multiple submitters, no conflicts (2 of 4 stars). 3 submissions from 3 submitters: Benign (1); Likely benign (1). 1 of the submissions does not count toward it. Last evaluated 2026-01-19.

Conditions:
ZNF335-related disorder. Also called: ZNF335-related condition.

Allele frequency attached by ClinVar (database versions not stated): ExAC 0.00036; 1000 Genomes Project 0.00060; 1000 Genomes Project 30x 0.00125; gnomAD 0.00180 and 0.00194.
gnomAD v4.1: 457 of 991,926 alleles (0.046%); highest among the groups gnomAD compares: African/African-American, 0.62%; 2 homozygotes.

Submissions (3):

Labcorp Genetics (formerly Invitae), Labcorp
Classification: Benign. Last evaluated: 2026-01-19. Review status: criteria provided, single submitter. Criteria: Invitae Variant Classification Sherloc (09022015). Collection method: clinical testing. Allele origin: germline.

Breakthrough Genomics
Classification: Likely benign. Review status: criteria provided, single submitter. Criteria: ACMG Guidelines, 2015. Collection method: not provided. Allele origin: germline. Inheritance: Autosomal recessive inheritance. Affected: yes.

PreventionGenetics, part of Exact Sciences
Classification: Likely benign for ZNF335-related condition. Last evaluated: 2023-03-30. Review status: no assertion criteria provided. Collection method: clinical testing. Allele origin: germline. Not counted in ClinVar's aggregate classification.
Comment: This variant is classified as likely benign based on ACMG/AMP sequence variant interpretation guidelines (Richards et al. 2015 PMID: 25741868, with internal and published modifications).